The following is an entry in ClinVar:

NM_001184.4(ATR):c.4083G>T (p.Leu1361Phe)

Gene: ATR (ATR checkpoint kinase; minus strand). Cytogenetic location: 3q23.
Variant type: single nucleotide variant.
Coding change: c.4083G>T on transcript NM_001184.4 (MANE Select); coding-DNA position 4083, G replaced by T.
Protein change: p.Leu1361Phe; replaces leucine 1361 with phenylalanine.
Molecular consequence: missense variant.
Genome position (GRCh38, 1-based): chr3:142,524,062, C>A on the plus strand (G>T on the coding strand, the complement: ATR is on the minus strand). VCF-style: chr3-142524062-C-A. GRCh37 (hg19) VCF-style: chr3-142242904-C-A.
Other names: c.3891G>T, p.Leu1297Phe (NM_001354579.2); short protein forms L1297F, L1361F.
Identifiers: ClinVar variation 1737651 (VCV001737651.3), dbSNP rs2473265284, ClinGen allele CA354802380.

ClinVar aggregate classification (germline): Uncertain significance (1 of 4 stars; one submission).

Conditions:
Inborn genetic diseases. Identifiers: MedGen C0950123, MeSH D030342.

Submission:

Ambry Genetics
Classification: Uncertain significance for Inborn genetic diseases. Last evaluated: 2024-04-06. Review status: criteria provided, single submitter. Criteria: Ambry Variant Classification Scheme 2023. Collection method: clinical testing. Allele origin: germline.
Comment: The p.L1361F variant (also known as c.4083G>T), located in coding exon 22 of the ATR gene, results from a G to T substitution at nucleotide position 4083. The leucine at codon 1361 is replaced by phenylalanine, an amino acid with highly similar properties. This amino acid position is conserved. In addition, this alteration is predicted to be deleterious by in silico analysis. Since supporting evidence is limited at this time, the clinical significance of this alteration remains unclear.